The following is an entry in ClinVar:

NM_031935.3(HMCN1):c.14447G>T (p.Ser4816Ile)

Gene: HMCN1 (hemicentin 1; plus strand). Cytogenetic location: 1q31.1.
Variant type: single nucleotide variant.
Coding change: c.14447G>T on transcript NM_031935.3 (MANE Select); coding-DNA position 14447, G replaced by T.
Protein change: p.Ser4816Ile; replaces serine 4816 with isoleucine.
Molecular consequence: missense variant.
Genome position (GRCh38, 1-based): chr1:186,145,762, G>T. VCF-style: chr1-186145762-G-T. GRCh37 (hg19) VCF-style: chr1-186114894-G-T.
Other names: short protein forms S4816I.
Identifiers: ClinVar variation 3639996 (VCV003639996.2).

ClinVar aggregate classification (germline): Uncertain significance (1 of 4 stars; one submission).

gnomAD v4.1: 1 of 1,614,164 alleles (0.000062%); highest among the groups gnomAD compares: African/African-American, 0.0013%; no homozygotes.

Submission:

Labcorp Genetics (formerly Invitae), Labcorp
Classification: Uncertain significance. Last evaluated: 2024-04-06. Review status: criteria provided, single submitter. Criteria: Invitae Variant Classification Sherloc (09022015). Collection method: clinical testing. Allele origin: germline.
Comment: This sequence change replaces serine, which is neutral and polar, with isoleucine, which is neutral and non-polar, at codon 4816 of the HMCN1 protein (p.Ser4816Ile). This variant is not present in population databases (gnomAD no frequency). This variant has not been reported in the literature in individuals affected with HMCN1-related conditions. An algorithm developed to predict the effect of missense changes on protein structure and function (PolyPhen-2) suggests that this variant is likely to be disruptive. In summary, the available evidence is currently insufficient to determine the role of this variant in disease. Therefore, it has been classified as a Variant of Uncertain Significance.